The following is an entry in ClinVar:

NM_024528.4(NKAP):c.741G>A (p.Lys247=)

Gene: NKAP (NFKB activating protein; minus strand). Cytogenetic location: Xq24.
Variant type: single nucleotide variant.
Coding change: c.741G>A on transcript NM_024528.4 (MANE Select); coding-DNA position 741, G replaced by A.
Protein change: p.Lys247=; no amino-acid change (lysine 247 retained).
Molecular consequence: synonymous variant.
Genome position (GRCh38, 1-based): chrX:119,932,213, C>T on the plus strand (G>A on the coding strand, the complement: NKAP is on the minus strand). VCF-style: chrX-119932213-C-T. GRCh37 (hg19) VCF-style: chrX-119066176-C-T.
Identifiers: ClinVar variation 2661309 (VCV002661309.24), dbSNP rs2521695680, ClinGen allele CA518222216.

ClinVar aggregate classification (germline): Likely benign (1 of 4 stars; one submission).

Submission:

CeGaT Center for Human Genetics Tuebingen
Classification: Likely benign. Last evaluated: 2023-06-01. Review status: criteria provided, single submitter. Criteria: CeGaT Center For Human Genetics Tuebingen Variant Classification Criteria Version 2. Collection method: clinical testing. Allele origin: germline. Affected: yes. Observed: 1 variant allele.
Comment: NKAP: PM2:Supporting, BP4, BP7